The following is an entry in ClinVar:

NM_006306.4(SMC1A):c.3254A>G (p.Tyr1085Cys)

Gene: SMC1A (structural maintenance of chromosomes 1A; minus strand). Cytogenetic location: Xp11.22.
Variant type: single nucleotide variant.
Coding change: c.3254A>G on transcript NM_006306.4 (MANE Select); coding-DNA position 3254, A replaced by G.
Protein change: p.Tyr1085Cys; replaces tyrosine 1085 with cysteine.
Molecular consequence: missense variant.
Genome position (GRCh38, 1-based): chrX:53,382,537, T>C on the plus strand (A>G on the coding strand, the complement: SMC1A is on the minus strand). VCF-style: chrX-53382537-T-C. GRCh37 (hg19) VCF-style: chrX-53409458-T-C.
Other names: c.3188A>G, p.Tyr1063Cys (NM_001281463.1); short protein forms Y1085C, Y1063C.
Identifiers: ClinVar variation 159956 (VCV000159956.13), dbSNP rs587784418, ClinGen allele CA272574.

ClinVar aggregate classification (germline): Pathogenic/Likely pathogenic. Review status: criteria provided, multiple submitters, no conflicts (2 of 4 stars). 2 submissions from 2 submitters: Pathogenic (1); Likely pathogenic (1). Last evaluated 2020-04-07.

Conditions:
Congenital muscular hypertrophy-cerebral syndrome (CDLS2). Also called: SMC1A-Related Cornelia de Lange Syndrome; Cornelia de Lange syndrome 2. Identifiers: Orphanet 199, MedGen C1802395, MONDO:0010370, OMIM 300590.

Submissions (2):

Labcorp Genetics (formerly Invitae), Labcorp
Classification: Likely pathogenic for Congenital muscular hypertrophy-cerebral syndrome. Last evaluated: 2020-04-07. Review status: criteria provided, single submitter. Criteria: Invitae Variant Classification Sherloc (09022015). Collection method: clinical testing. Allele origin: germline.
Comment: In summary, the currently available evidence indicates that the variant is pathogenic, but additional data are needed to prove that conclusively. Therefore, this variant has been classified as Likely Pathogenic. Algorithms developed to predict the effect of sequence changes on RNA splicing suggest that this variant may create or strengthen a splice site, but this prediction has not been confirmed by published transcriptional studies. Algorithms developed to predict the effect of missense changes on protein structure and function do not agree on the potential impact of this missense change (SIFT: "Deleterious"; PolyPhen-2: "Probably Damaging"; Align-GVGD: "Class C0"). Family studies have shown that this variant co-segregates with disease in a family with features consistent with Cornelia de Lange syndrome (Invitae). ClinVar contains an entry for this variant (Variation ID: 159956). This variant is not present in population databases (ExAC no frequency). This sequence change replaces tyrosine with cysteine at codon 1085 of the SMC1A protein (p.Tyr1085Cys). The tyrosine residue is moderately conserved and there is a large physicochemical difference between tyrosine and cysteine.

Genetic Services Laboratory, University of Chicago
Classification: Pathogenic for Cornelia de Lange syndrome 2. Last evaluated: 2013-02-08. Review status: criteria provided, single submitter. Criteria: ACMG Guidelines, 2007. Collection method: clinical testing. Allele origin: germline. Inheritance: X-linked inheritance. Affected: yes.